The following is an entry in ClinVar:

ClinVar aggregate classification (germline): Likely benign (0 of 4 stars; one submission).

Conditions:
DYRK1B-related disorder. Also called: DYRK1B-related condition.

gnomAD v4.1: 26 of 1,589,248 alleles (0.0016%); highest among the groups gnomAD compares: Non-Finnish European, 0.0022%; no homozygotes.

Submission:

PreventionGenetics, part of Exact Sciences
Classification: Likely benign for DYRK1B-related condition. Last evaluated: 2022-06-28. Review status: no assertion criteria provided. Collection method: clinical testing. Allele origin: germline.
Comment: This variant is classified as likely benign based on ACMG/AMP sequence variant interpretation guidelines (Richards et al. 2015 PMID: 25741868, with internal and published modifications).

NM_004714.3(DYRK1B):c.1731A>G (p.Pro577=)

Gene: DYRK1B (dual specificity tyrosine phosphorylation regulated kinase 1B; minus strand). Cytogenetic location: 19q13.2.
Variant type: single nucleotide variant.
Coding change: c.1731A>G on transcript NM_004714.3 (MANE Select); coding-DNA position 1731, A replaced by G.
Protein change: p.Pro577=; no amino-acid change (proline 577 retained).
Molecular consequence: synonymous variant.
Genome position (GRCh38, 1-based): chr19:39,825,874, T>C on the plus strand (A>G on the coding strand, the complement: DYRK1B is on the minus strand). VCF-style: chr19-39825874-T-C. GRCh37 (hg19) VCF-style: chr19-40316514-T-C.
Other names: c.1611A>G, p.Pro537= (NM_006483.3); c.1647A>G, p.Pro549= (NM_006484.3).
Identifiers: ClinVar variation 3358302 (VCV003358302.1).
Genomic context (GRCh38, chr19:39,825,874, plus strand): 5'-AGTCATCCGAGTCCGGAGGGCTGAGGCAGCCGGGTGCTGGGGGGCAGGCGCTGGGTGAGG[T>C]GGGGAGCAGTCAGCAGGGCCGCCCACCAGGCTCACATCCATCAGCTCCGGGGGTGGTGGT-3'
Protein context (NP_004705.1, residues 567-587): SLVGGPADCS[Pro577=]PHPAPAPQHP